The following is an entry in ClinVar:

NM_001142800.2(EYS):c.7665C>G (p.Tyr2555Ter)

Gene: EYS (EGF-like photoreceptor maintenance factor; minus strand). Cytogenetic location: 6q12.
Variant type: single nucleotide variant.
Coding change: c.7665C>G on transcript NM_001142800.2 (MANE Select); coding-DNA position 7665, C replaced by G.
Protein change: p.Tyr2555Ter; replaces tyrosine 2555 with a stop codon.
Molecular consequence: nonsense.
Genome position (GRCh38, 1-based): chr6:63,788,163, G>C on the plus strand (C>G on the coding strand, the complement: EYS is on the minus strand). VCF-style: chr6-63788163-G-C. GRCh37 (hg19) VCF-style: chr6-64498056-G-C.
Other names: c.7665C>G, p.Tyr2555Ter (NM_001292009.2); short protein forms Y2555*.
Identifiers: ClinVar variation 5010876 (VCV005010876.1).
Genomic context (GRCh38, chr6:63,788,163, plus strand): 5'-ACCTTGAAAACCATTTTTAAAATCTGCTCCATTTGGTAAGAGATCTGGAGTGTATTCACT[G>C]TAGCCACCTACATAAAACTGACTGAAGACATTGAGACCAACCAGTCTTCCTGGGGCGATA-3'

ClinVar aggregate classification (germline): Pathogenic (1 of 4 stars; one submission).

Conditions:
Retinitis pigmentosa 25 (RP25). Identifiers: Orphanet 791, MedGen C1864446, MONDO:0011272, OMIM 602772.

Submission:

Myriad Genetics, Inc.
Classification: Pathogenic for Retinitis pigmentosa 25. Last evaluated: 2024-05-14. Review status: criteria provided, single submitter. Criteria: Myriad Autosomal Dominant, Autosomal Recessive and X-Linked Classification Criteria (2023). Collection method: clinical testing. Allele origin: unknown.
Comment: NM_001142800.1(EYS):c.7665C>G(Y2555*) is expected to be pathogenic in the context of retinitis pigmentosa, EYS-related. This variant is predicted to lead to an abnormal or absent protein product due to the creation of a premature termination codon in EYS, a gene where loss-of-function variants are known to be pathogenic. Please note: this variant was assessed in the context of healthy population screening.